The following is an entry in ClinVar:

NM_198904.4(GABRG2):c.-154C>T

Gene: GABRG2 (gamma-aminobutyric acid type A receptor subunit gamma2; plus strand). Cytogenetic location: 5q34.
Variant type: single nucleotide variant.
Coding change: c.-154C>T on transcript NM_198904.4 (MANE Select); 154 bases upstream of the start codon, C replaced by T.
Molecular consequence: 5 prime UTR variant. On other transcripts: intron variant (3).
Genome position (GRCh38, 1-based): chr5:162,067,846, C>T. VCF-style: chr5-162067846-C-T. GRCh37 (hg19) VCF-style: chr5-161494852-C-T.
Other names: c.-154C>T (NM_000816.3, NM_001375339.1, NM_001375340.1 and 5 more transcripts); c.-512C>T (NM_001375348.1, NM_001375350.1); c.-560C>T (NM_001375349.1); c.-4+205C>T (NM_001375346.1, NM_001375345.1); c.20+205C>T (NM_001375347.1).
Identifiers: ClinVar variation 352633 (VCV000352633.6), dbSNP rs3219203, ClinGen allele CA10623908.

ClinVar aggregate classification (germline): Benign. Review status: criteria provided, multiple submitters, no conflicts (2 of 4 stars). 2 submissions from 2 submitters: Benign (2). Last evaluated 2018-06-14.

Conditions:
EPILEPSY, CHILDHOOD ABSENCE, SUSCEPTIBILITY TO, 2 (ECA2). Identifiers: Orphanet 64280, MedGen C1843244, OMIM 607681.

Allele frequency attached by ClinVar (database versions not stated): 1000 Genomes Project 30x 0.03467; 1000 Genomes Project 0.03614; TOPMed 0.05249; gnomAD 0.05790 and 0.05943; gnomAD exomes 0.06378.
gnomAD v4.1: 41,578 of 664,620 alleles (6.3%); highest among the groups gnomAD compares: Non-Finnish European, 7.1%; 1,526 homozygotes.

Submissions (2):

GeneDx
Classification: Benign. Last evaluated: 2018-06-14. Review status: criteria provided, single submitter. Criteria: GeneDx Variant Classification (06012015). Collection method: clinical testing. Allele origin: germline. Affected: yes.
Comment: This variant is considered likely benign or benign based on one or more of the following criteria: it is a conservative change, it occurs at a poorly conserved position in the protein, it is predicted to be benign by multiple in silico algorithms, and/or has population frequency not consistent with disease.

Illumina Laboratory Services, Illumina
Classification: Benign for Febrile seizures, familial, 8. Last evaluated: 2018-01-12. Review status: criteria provided, single submitter. Criteria: ICSL Variant Classification Criteria 13 December 2019. Collection method: clinical testing. Allele origin: germline.
Comment: This variant was observed in the ICSL laboratory as part of a predisposition screen in an ostensibly healthy population. It had not been previously curated by ICSL or reported in the Human Gene Mutation Database (HGMD: prior to June 1st, 2018), and was therefore a candidate for classification through an automated scoring system. Utilizing variant allele frequency, disease prevalence and penetrance estimates, and inheritance mode, an automated score was calculated to assess if this variant is too frequent to cause the disease. Based on the score and internal cut-off values, a variant classified as benign is not then subjected to further curation. The score for this variant resulted in a classification of benign for this disease.